The following is an entry in ClinVar:

NC_000023.11:g.150568509C>T

Genes: MTM1 (myotubularin 1; plus strand), LOC130068796 (ATAC-STARR-seq lymphoblastoid silent region 21050; plus strand). Cytogenetic location: Xq28.
Variant type: single nucleotide variant.
Genome position: GRCh38 VCF-style: chrX-150568509-C-T. GRCh37 (hg19) VCF-style: chrX-149736959-C-T.
Identifiers: ClinVar variation 1703406 (VCV001703406.3), dbSNP rs182709862, ClinGen allele CA337088589.

ClinVar aggregate classification (germline): Likely benign (1 of 4 stars; one submission).

Allele frequency attached by ClinVar (database versions not stated): 1000 Genomes Project 30x 0.00978; 1000 Genomes Project 0.01007; TOPMed 0.02022; gnomAD exomes 0.02128; gnomAD 0.02203.
gnomAD v4.1: 2,507 of 113,738 alleles (2.2%); highest among the groups gnomAD compares: Non-Finnish European, 3.4%; 29 homozygotes.

Submission:

GeneDx
Classification: Likely benign. Last evaluated: 2022-02-25. Review status: criteria provided, single submitter. Criteria: GeneDx Variant Classification Process June 2021. Collection method: clinical testing. Allele origin: germline. Affected: yes.
Comment: See Variant Classification Assertion Criteria.